The following is an entry in ClinVar:

NM_014946.4(SPAST):c.1493G>A (p.Arg498Lys)

Gene: SPAST (spastin; plus strand). Cytogenetic location: 2p22.3.
Variant type: single nucleotide variant.
Coding change: c.1493G>A on transcript NM_014946.4 (MANE Select); coding-DNA position 1493, G replaced by A.
Protein change: p.Arg498Lys; replaces arginine 498 with lysine.
Molecular consequence: missense variant.
Genome position (GRCh38, 1-based): chr2:32,137,188, G>A. VCF-style: chr2-32137188-G-A. GRCh37 (hg19) VCF-style: chr2-32362257-G-A.
Other names: c.1490G>A, p.Arg497Lys (NM_001363823.2); c.1394G>A, p.Arg465Lys (NM_001363875.2); c.1397G>A, p.Arg466Lys (NM_001377959.1, NM_199436.2); short protein forms R465K, R466K, R497K, R498K.
Identifiers: ClinVar variation 2684011 (VCV002684011.4), dbSNP rs2148754411, ClinGen allele CA346502547.

ClinVar aggregate classification (germline): Conflicting classifications of pathogenicity. Review status: criteria provided, conflicting classifications (1 of 4 stars). 2 submissions from 2 submitters: Likely pathogenic (1); Uncertain significance (1). Last evaluated 2023-09-19.

Conditions:
Hereditary spastic paraplegia 4. Also called: Spastic Paraplegia 4; Spastic paraplegia 4, autosomal dominant; Familial spastic paraplegia autosomal dominant 2. Identifiers: Orphanet 100985, MedGen C1866855, MONDO:0008438, OMIM 182601.

Submissions (2):

Athena Diagnostics
Classification: Likely pathogenic. Last evaluated: 2023-09-19. Review status: criteria provided, single submitter. Criteria: Athena Diagnostics Criteria. Collection method: clinical testing. Allele origin: unknown.
Comment: This variant has been identified in at least one individual with clinical features associated with this gene. This variant has not been reported in large, multi-ethnic general populations. Computational tools predict that this variant is damaging. The variant is located in a region that is considered important for protein function and/or structure.

Labcorp Genetics (formerly Invitae), Labcorp
Classification: Uncertain significance for Hereditary spastic paraplegia 4. Last evaluated: 2023-08-17. Review status: criteria provided, single submitter. Criteria: Invitae Variant Classification Sherloc (09022015). Collection method: clinical testing. Allele origin: germline.
Comment: This sequence change replaces arginine, which is basic and polar, with lysine, which is basic and polar, at codon 498 of the SPAST protein (p.Arg498Lys). This variant also falls at the last nucleotide of exon 12, which is part of the consensus splice site for this exon. This variant is not present in population databases (gnomAD no frequency). This missense change has been observed in individual(s) with clinical features of autosomal dominant SPAST-related conditions (Invitae). An algorithm developed to predict the effect of missense changes on protein structure and function (PolyPhen-2) suggests that this variant is likely to be tolerated. Variants that disrupt the consensus splice site are a relatively common cause of aberrant splicing (PMID: 17576681, 9536098). Algorithms developed to predict the effect of sequence changes on RNA splicing suggest that this variant may disrupt the consensus splice site. This variant disrupts the p.Arg498 amino acid residue in SPAST. Other variant(s) that disrupt this residue have been determined to be pathogenic (PMID: 26671083; Invitae). This suggests that this residue is clinically significant, and that variants that disrupt this residue are likely to be disease-causing. In summary, the available evidence is currently insufficient to determine the role of this variant in disease. Therefore, it has been classified as a Variant of Uncertain Significance.

Literature cited by the submitters: PubMed 37453004 (cited by Athena Diagnostics); PubMed 17576681 (cited by Labcorp Genetics (formerly Invitae), Labcorp); PubMed 9536098 (cited by Labcorp Genetics (formerly Invitae), Labcorp); PubMed 26671083 (cited by Labcorp Genetics (formerly Invitae), Labcorp).